The following is an entry in ClinVar:

ClinVar aggregate classification (germline): Pathogenic (3 of 4 stars; one submission).

Conditions:
Breast-ovarian cancer, familial, susceptibility to, 1 (BROVCA1). Also called: BRCA1 Hereditary Breast and Ovarian Cancer; OVARIAN CANCER, SUSCEPTIBILITY TO. Identifiers: Orphanet 145, MedGen C2676676, MONDO:0011450, OMIM 604370. Disease mechanism: loss of function.

Submission:

Evidence-based Network for the Interpretation of Germline Mutant Alleles (ENIGMA)
Classification: Pathogenic for Breast-ovarian cancer, familial, susceptibility to, 1. Last evaluated: 2017-12-15. Review status: reviewed by expert panel. Criteria: ENIGMA BRCA1/2 Classification Criteria (2017-06-29). Collection method: curation. Allele origin: germline. Study: ENIGMA.
Comment: Variant allele predicted to encode a truncated non-functional protein.

NM_007294.4(BRCA1):c.20dup (p.Val8fs)

Gene: BRCA1 (BRCA1 DNA repair associated; minus strand). Cytogenetic location: 17q21.31.
Variant type: Duplication.
Coding change: c.20dup on transcript NM_007294.4 (MANE Select); coding-DNA position 20, one base duplicated (G; older notation c.20dupG).
Protein change: p.Val8fs; shifts the reading frame from valine 8.
Molecular consequence: frameshift variant. On other transcripts: 5 prime UTR variant (1), non-coding transcript variant (1).
Genome position (GRCh38, 1-based): chr17:43,124,077, C duplicated on the plus strand (G on the coding strand, the reverse complement: BRCA1 is on the minus strand). VCF-style (leftmost placement, unchanged base first): chr17-43124076-G-GC. GRCh37 (hg19) VCF-style: chr17-41276093-G-GC.
Other names: c.20dupG (NM_007294.3); c.-169dup (NM_001407571.1, NM_001407853.1, NM_001407879.1 and 46 more transcripts); c.20dup, p.Val8Argfs (NM_001407581.1, NM_001407582.1, NM_001407583.1 and 191 more transcripts); c.-238dup (NM_001407694.1, NM_001407724.1, NM_001407727.1 and 11 more transcripts); c.-242dup (NM_001407695.1, NM_001408465.1); c.-383dup (NM_001407696.1); c.-267dup (NM_001407697.1, NM_001407846.1, NM_001407920.1); c.-68dup (NM_001407698.1, NM_001407732.1, NM_001407736.1 and 23 more transcripts); and 10 more; short protein forms V8fs.
Identifiers: ClinVar variation 548163 (VCV000548163.2), dbSNP rs1555601027, ClinGen allele CA658823847.
Genomic context (GRCh38, chr17:43,124,076, plus strand): 5'-CCAGATGGGACACTCTAAGATTTTCTGCATAGCATTAATGACATTTTGTACTTCTTCAAC[G>GC]CGAAGAGCAGATAAATCCATTTCTTTCTGTTCCAATGAACTTTAACACATTAGAAAAACA-3'